The following is an entry in ClinVar:

NM_177559.3(CSNK2A1):c.935G>A (p.Arg312Gln)

Gene: CSNK2A1 (casein kinase 2 alpha 1; minus strand). Cytogenetic location: 20p13.
Variant type: single nucleotide variant.
Coding change: c.935G>A on transcript NM_177559.3 (MANE Select); coding-DNA position 935, G replaced by A.
Protein change: p.Arg312Gln; replaces arginine 312 with glutamine.
Molecular consequence: missense variant.
Genome position (GRCh38, 1-based): chr20:487,465, C>T on the plus strand (G>A on the coding strand, the complement: CSNK2A1 is on the minus strand). VCF-style: chr20-487465-C-T. GRCh37 (hg19) VCF-style: chr20-468109-C-T.
Other names: c.935G>A, p.Arg312Gln (NM_001362770.2, NM_001362771.2, NM_001895.4); c.527G>A, p.Arg176Gln (NM_177560.3); short protein forms R176Q, R312Q.
Identifiers: ClinVar variation 1328596 (VCV001328596.4), dbSNP rs2122506319, ClinGen allele CA407924181.
Genomic context (GRCh38, chr20:487,465, plus strand): 5'-TGGGCTAGATATCTGGACTCACAGAAATAGGGGTGCTCCATTGCCTCTCTTGCAGTAAGC[C>T]GTGACTGGTGGTCATATCGCAGCAGTTTGTCCAGGAAATCCAAGGCCTCAGGGCTGACAA-3'
Protein context (NP_808227.1, residues 302-322): DKLLRYDHQS[Arg312Gln]LTAREAMEHP

ClinVar aggregate classification (germline): Pathogenic/Likely pathogenic. Review status: criteria provided, multiple submitters, no conflicts (2 of 4 stars). 2 submissions from 2 submitters: Pathogenic (1); Likely pathogenic (1). Last evaluated 2024-05-28.

Allele frequency attached by ClinVar (database versions not stated): gnomAD exomes below 0.00001.
gnomAD v4.1: 1 of 1,614,144 alleles (0.000062%); highest among the groups gnomAD compares: Non-Finnish European, 0.000085%; no homozygotes.

Submissions (2):

GeneDx
Classification: Pathogenic. Last evaluated: 2024-05-28. Review status: criteria provided, single submitter. Criteria: GeneDx Variant Classification Process June 2021. Collection method: clinical testing. Allele origin: germline. Affected: yes.
Comment: Published functional studies demonstrate a damaging effect (PMID: 33944995); In silico analysis supports that this missense variant has a deleterious effect on protein structure/function; Not observed at significant frequency in large population cohorts (gnomAD); This variant is associated with the following publications: (PMID: 29240241, 34038195, 33944995, 36310603, 38357263)

Clinical Genetics Laboratory, Skane University Hospital Lund
Classification: Likely pathogenic. Last evaluated: 2023-08-16. Review status: criteria provided, single submitter. Criteria: ACMG Guidelines, 2015. Collection method: clinical testing. Allele origin: germline. Affected: yes.